The following is an entry in ClinVar:

ClinVar aggregate classification (germline): Conflicting classifications of pathogenicity. Review status: criteria provided, conflicting classifications (1 of 4 stars). 9 submissions from 9 submitters: Uncertain significance (1); Benign (2); Likely benign (5). 1 of the submissions does not count toward it. Last evaluated 2026-01-09.

Conditions:
SCN2A-related disorder. Also called: SCN2A-related condition; SCN2A-related disorders. Identifiers: MedGen CN382226, MONDO:1060245.
Developmental and epileptic encephalopathy, 11 (DEE11). Also called: Early infantile epileptic encephalopathy 11. Identifiers: Orphanet 1934, MedGen C3150987, MONDO:0013388, OMIM 613721.
Seizures, benign familial infantile, 3 (BFIS3). Also called: CONVULSIONS, BENIGN FAMILIAL INFANTILE, 3; Familial neonatal seizures. Identifiers: Orphanet 140927, Orphanet 306, MedGen C1843140, MONDO:0011904, OMIM 607745.
Inborn genetic diseases. Identifiers: MedGen C0950123, MeSH D030342.

Allele frequency attached by ClinVar (database versions not stated): TOPMed 0.00020; ExAC 0.00023; gnomAD 0.00025 and 0.00027; gnomAD exomes 0.00025 and 0.00037; ESP Exome Variant Server 0.00038.
gnomAD v4.1: 579 of 1,613,964 alleles (0.036%); highest among the groups gnomAD compares: Non-Finnish European, 0.046%; 1 homozygote.

Submissions (10):

Labcorp Genetics (formerly Invitae), Labcorp
Classification: Likely benign for Seizures, benign familial infantile, 3; Developmental and epileptic encephalopathy, 11. Last evaluated: 2026-01-09. Review status: criteria provided, single submitter. Criteria: Invitae Variant Classification Sherloc (09022015). Collection method: clinical testing. Allele origin: germline.

Dasa
Classification: Uncertain significance. Last evaluated: 2025-10-06. Review status: criteria provided, single submitter. Criteria: DASA Assertion Criteria. Collection method: clinical testing. Allele origin: germline.
Comment: NM_001040142.2(SCN2A):c.82C>T (p.Arg28Cys) is a missense variant that results in the substitution of arginine with cysteine. This variant is rare in population databases. Computational prediction algorithms are consistent with a deleterious effect. The currently available literature and clinical evidence are not sufficient to establish a definitive association between this variant and the reported condition. Therefore, this variant is classified as a variant of uncertain significance.

CeGaT Center for Human Genetics Tuebingen
Classification: Likely benign. Last evaluated: 2025-06-01. Review status: criteria provided, single submitter. Criteria: CeGaT Center For Human Genetics Tuebingen Variant Classification Criteria Version 2. Collection method: clinical testing. Allele origin: germline. Affected: yes. Observed: 9 variant alleles.
Comment: SCN2A: BS2

Laboratory of Genetics, Children's Clinical University Hospital Latvia
Classification: Likely benign. Last evaluated: 2025-02-16. Review status: criteria provided, single submitter. Criteria: ACMG Guidelines, 2015. Collection method: clinical testing. Allele origin: germline. Affected: yes.

Blueprint Genetics
Classification: Likely benign. Last evaluated: 2024-10-25. Review status: criteria provided, single submitter. Criteria: ACMG Guidelines, 2015. Collection method: clinical testing. Allele origin: germline.

Ambry Genetics
Classification: Likely benign for Inborn genetic diseases. Last evaluated: 2022-04-13. Review status: criteria provided, single submitter. Criteria: Ambry Variant Classification Scheme 2023. Collection method: clinical testing. Allele origin: germline.

GeneDx
Classification: Benign. Last evaluated: 2020-08-24. Review status: criteria provided, single submitter. Criteria: GeneDx Variant Classification Process June 2021. Collection method: clinical testing. Allele origin: germline. Affected: yes.
Comment: Missense variants in this gene are often considered pathogenic (Stenson et al., 2014); In silico analysis supports that this missense variant has a deleterious effect on protein structure/function; This variant is associated with the following publications: (PMID: 27733563, 30619928, 23849776, 26220970)

Illumina Laboratory Services, Illumina
Classification: Benign for Seizures, benign familial infantile, 3. Last evaluated: 2018-01-12. Review status: criteria provided, single submitter. Criteria: ICSL Variant Classification Criteria 13 December 2019. Collection method: clinical testing. Allele origin: germline.
Comment: This variant was observed in the ICSL laboratory as part of a predisposition screen in an ostensibly healthy population. It had not been previously curated by ICSL or reported in the Human Gene Mutation Database (HGMD: prior to June 1st, 2018), and was therefore a candidate for classification through an automated scoring system. Utilizing variant allele frequency, disease prevalence and penetrance estimates, and inheritance mode, an automated score was calculated to assess if this variant is too frequent to cause the disease. Based on the score and internal cut-off values, a variant classified as benign is not then subjected to further curation. The score for this variant resulted in a classification of benign for this disease.

PreventionGenetics, part of Exact Sciences
Classification: Likely benign for SCN2A-related condition. Last evaluated: 2023-09-27. Review status: no assertion criteria provided. Collection method: clinical testing. Allele origin: germline. Not counted in ClinVar's aggregate classification.
Comment: This variant is classified as likely benign based on ACMG/AMP sequence variant interpretation guidelines (Richards et al. 2015 PMID: 25741868, with internal and published modifications).

Channelopathy-Associated Epilepsy Research Center
No classification provided (evidence only). Condition: Complex neurodevelopmental disorder. Review status: no classification provided. Collection method: literature only. Allele origin: not applicable. Functional consequence: Increase of subthreshold current, Overall gain-of-function. Not counted in ClinVar's aggregate classification.
ClinVar note: "not provided" was previously submitted as the classification for the variant. However, the classification appeared to be based only on an observation of functional data so it was converted to no classification on 2025-07-30.

Literature cited by the submitters: PubMed 28256214 (cited by Channelopathy-Associated Epilepsy Research Center).

NM_001040142.2(SCN2A):c.82C>T (p.Arg28Cys)

Gene: SCN2A (sodium voltage-gated channel alpha subunit 2; plus strand). Cytogenetic location: 2q24.3.
Variant type: single nucleotide variant.
Coding change: c.82C>T on transcript NM_001040142.2 (MANE Select); coding-DNA position 82, C replaced by T.
Protein change: p.Arg28Cys; replaces arginine 28 with cysteine.
Molecular consequence: missense variant.
Genome position (GRCh38, 1-based): chr2:165,295,905, C>T. VCF-style: chr2-165295905-C-T. GRCh37 (hg19) VCF-style: chr2-166152415-C-T.
Other names: p.R28C:CGC>TGC; c.82C>T, p.Arg28Cys (NM_001040143.2, NM_001371246.1, NM_001371247.1 and 1 more transcripts); short protein forms R28C.
Identifiers: ClinVar variation 207033 (VCV000207033.49), dbSNP rs200884216, ClinGen allele CA318060.
Genomic context (GRCh38, chr2:165,295,905, plus strand): 5'-CCGCCAGGACCTGACAGCTTCCGCTTCTTTACCAGGGAATCCCTTGCTGCTATTGAACAA[C>T]GCATTGCAGAAGAGAAAGCTAAGAGACCCAAACAGGAACGCAAGGATGAGGATGATGAAA-3'
Protein context (NP_001035232.1, residues 18-38): TRESLAAIEQ[Arg28Cys]IAEEKAKRPK